The following is an entry in ClinVar:

NM_004360.5(CDH1):c.1958A>G (p.Lys653Arg)

Gene: CDH1 (cadherin 1; plus strand). Cytogenetic location: 16q22.1.
Variant type: single nucleotide variant.
Coding change: c.1958A>G on transcript NM_004360.5 (MANE Select); coding-DNA position 1958, A replaced by G.
Protein change: p.Lys653Arg; replaces lysine 653 with arginine.
Molecular consequence: missense variant. On other transcripts: 5 prime UTR variant (1).
Genome position (GRCh38, 1-based): chr16:68,823,420, A>G. VCF-style: chr16-68823420-A-G. GRCh37 (hg19) VCF-style: chr16-68857323-A-G.
Other names: c.1775A>G, p.Lys592Arg (NM_001317184.2); c.410A>G, p.Lys137Arg (NM_001317185.2); c.-8A>G (NM_001317186.2); short protein forms K592R, K137R, K653R.
Identifiers: ClinVar variation 1460638 (VCV001460638.6), dbSNP rs1555517084, ClinGen allele CA396467543.
Genomic context (GRCh38, chr16:68,823,420, plus strand): 5'-TCCCCTGGTCTCATCATTTCTTTTTATTGCTTTCTCCAGCCCAAGAATCTATCATTTTGA[A>G]GCCAAAGATGGCCTTAGAGGTGGGTGACTACAAAATCAATCTCAAGCTCATGGATAACCA-3'
Protein context (NP_004351.1, residues 643-663): NDPTQESIIL[Lys653Arg]PKMALEVGDY

ClinVar aggregate classification (germline): Uncertain significance (1 of 4 stars; one submission).

Conditions:
Hereditary diffuse gastric adenocarcinoma (HDGC). Also called: DIFFUSE GASTRIC AND LOBULAR BREAST CANCER SYNDROME. Identifiers: Orphanet 26106, MedGen C1708349, MONDO:0007648, OMIM 137215.

Submission:

Labcorp Genetics (formerly Invitae), Labcorp
Classification: Uncertain significance for Hereditary diffuse gastric adenocarcinoma. Last evaluated: 2023-06-20. Review status: criteria provided, single submitter. Criteria: Invitae Variant Classification Sherloc (09022015). Collection method: clinical testing. Allele origin: germline.
Comment: This sequence change replaces lysine, which is basic and polar, with arginine, which is basic and polar, at codon 653 of the CDH1 protein (p.Lys653Arg). This variant is not present in population databases (gnomAD no frequency). This variant has not been reported in the literature in individuals affected with CDH1-related conditions. ClinVar contains an entry for this variant (Variation ID: 1460638). Algorithms developed to predict the effect of missense changes on protein structure and function output the following: SIFT: "Not Available"; PolyPhen-2: "Benign"; Align-GVGD: "Not Available". The arginine amino acid residue is found in multiple mammalian species, which suggests that this missense change does not adversely affect protein function. In summary, the available evidence is currently insufficient to determine the role of this variant in disease. Therefore, it has been classified as a Variant of Uncertain Significance.